The following is an entry in ClinVar:

NM_006297.3(XRCC1):c.880G>A (p.Ala294Thr)

Gene: XRCC1 (X-ray repair cross complementing 1; minus strand). Cytogenetic location: 19q13.31.
Variant type: single nucleotide variant.
Coding change: c.880G>A on transcript NM_006297.3 (MANE Select); coding-DNA position 880, G replaced by A.
Protein change: p.Ala294Thr; replaces alanine 294 with threonine.
Molecular consequence: missense variant.
Genome position (GRCh38, 1-based): chr19:43,552,219, C>T on the plus strand (G>A on the coding strand, the complement: XRCC1 is on the minus strand). VCF-style: chr19-43552219-C-T. GRCh37 (hg19) VCF-style: chr19-44056371-C-T.
Other names: short protein forms A294T.
Identifiers: ClinVar variation 2650065 (VCV002650065.24), dbSNP rs904017527, ClinGen allele CA308774122.
Genomic context (GRCh38, chr19:43,552,219, plus strand): 5'-CTGGGCCAGCTCGGGGTCGTCTGGGCTCGGTGCCTTCTCCTCGGGGTTTGCCTGTCACTG[C>T]CCCCTGTGCTCGGGCAGGGACTGGGGCTGTGGCTGGGGTACGAGTTGGAGCTGGCACTGG-3'
Protein context (NP_006288.2, residues 284-304): TAPVPARAQG[Ala294Thr]VTGKPRGEGT

ClinVar aggregate classification (germline): Uncertain significance (1 of 4 stars; one submission).

Allele frequency attached by ClinVar (database versions not stated): gnomAD 0.00001.
gnomAD v4.1: 3 of 1,613,498 alleles (0.00019%); highest among the groups gnomAD compares: Non-Finnish European, 0.00025%; no homozygotes.

Submission:

CeGaT Center for Human Genetics Tuebingen
Classification: Uncertain significance. Last evaluated: 2023-01-01. Review status: criteria provided, single submitter. Criteria: CeGaT Center For Human Genetics Tuebingen Variant Classification Criteria Version 2. Collection method: clinical testing. Allele origin: germline. Affected: yes. Observed: 1 variant allele.
Comment: XRCC1: PM2, BP4